The following is an entry in ClinVar:

ClinVar aggregate classification (germline): Uncertain significance (1 of 4 stars; one submission).

Allele frequency attached by ClinVar (database versions not stated): gnomAD exomes below 0.00001.
gnomAD v4.1: 1 of 1,614,150 alleles (0.000062%); highest among the groups gnomAD compares: Non-Finnish European, 0.000085%; no homozygotes.

Submission:

Laboratorio de Genetica e Diagnostico Molecular, Hospital Israelita Albert Einstein
Classification: Uncertain significance. Last evaluated: 2020-01-16. Review status: criteria provided, single submitter. Criteria: ACMG Guidelines, 2015. Collection method: clinical testing. Allele origin: germline. Affected: yes.
Comment: ACMG classification criteria: PVS1, PM2

NM_145207.3(AFG2A):c.2452G>T (p.Glu818Ter)

Gene: AFG2A (AFG2 AAA ATPase homolog A; plus strand). Cytogenetic location: 4q28.1.
Variant type: single nucleotide variant.
Coding change: c.2452G>T on transcript NM_145207.3 (MANE Select); coding-DNA position 2452, G replaced by T.
Protein change: p.Glu818Ter; replaces glutamic acid 818 with a stop codon.
Molecular consequence: nonsense.
Genome position (GRCh38, 1-based): chr4:123,256,127, G>T. VCF-style: chr4-123256127-G-T. GRCh37 (hg19) VCF-style: chr4-124177282-G-T.
Other names: c.2449G>T, p.Glu817Ter (NM_001345856.2); short protein forms E817*, E818*.
Identifiers: ClinVar variation 1690776 (VCV001690776.3), dbSNP rs573757424, ClinGen allele CA105289940.